The following is an entry in ClinVar:

ClinVar aggregate classification (germline): Uncertain significance (1 of 4 stars; one submission).

Conditions:
Hereditary cancer-predisposing syndrome. Also called: Neoplastic Syndromes, Hereditary; Tumor predisposition; Hereditary neoplastic syndrome; Hereditary Cancer Syndrome. Identifiers: Orphanet 140162, MedGen C0027672, MeSH D009386, MONDO:0015356.

Submission:

Ambry Genetics
Classification: Uncertain significance for Hereditary cancer-predisposing syndrome. Last evaluated: 2026-07-02. Review status: criteria provided, single submitter. Criteria: Ambry Variant Classification Scheme 2023. Collection method: clinical testing. Allele origin: germline.
Comment: The p.E1536G variant (also known as c.4607A>G), located in coding exon 15 of the APC gene, results from an A to G substitution at nucleotide position 4607. The glutamic acid at codon 1536 is replaced by glycine, an amino acid with similar properties. This amino acid position is conserved. In addition, in silico predictors for this gene do not accurately predict pathogenicity. Based on the available evidence, the clinical significance of this variant remains unclear.

NM_000038.6(APC):c.4607A>G (p.Glu1536Gly)

Gene: APC (APC regulator of Wnt signaling pathway; plus strand). Cytogenetic location: 5q22.2.
Variant type: single nucleotide variant.
Coding change: c.4607A>G on transcript NM_000038.6 (MANE Select); coding-DNA position 4607, A replaced by G.
Protein change: p.Glu1536Gly; replaces glutamic acid 1536 with glycine.
Molecular consequence: missense variant. On other transcripts: non-coding transcript variant (2).
Genome position (GRCh38, 1-based): chr5:112,840,201, A>G. VCF-style: chr5-112840201-A-G. GRCh37 (hg19) VCF-style: chr5-112175898-A-G.
Other names: c.4532A>G, p.Glu1511Gly (NM_001354898.2); c.4523A>G, p.Glu1508Gly (NM_001354899.2); c.4484A>G, p.Glu1495Gly (NM_001354900.2); c.4430A>G, p.Glu1477Gly (NM_001354901.2, NM_001407453.1); c.4334A>G, p.Glu1445Gly (NM_001354902.2); c.4304A>G, p.Glu1435Gly (NM_001354903.2, NM_001407458.1, NM_001407459.1 and 1 more transcripts); c.4229A>G, p.Glu1410Gly (NM_001354904.2); c.4127A>G, p.Glu1376Gly (NM_001354905.2); and 11 more; short protein forms E1407G, E1410G, E1495G, E1508G, E1536G, E1546G, E1376G, E1435G.
Identifiers: ClinVar variation 5024849 (VCV005024849.1).